The following is an entry in ClinVar:

NM_000380.4(XPA):c.9G>A (p.Ala3=)

Gene: XPA (XPA, DNA damage recognition and repair factor; minus strand). Cytogenetic location: 9q22.33.
Variant type: single nucleotide variant.
Coding change: c.9G>A on transcript NM_000380.4 (MANE Select); coding-DNA position 9, G replaced by A.
Protein change: p.Ala3=; no amino-acid change (alanine 3 retained).
Molecular consequence: synonymous variant. On other transcripts: 5 prime UTR variant (1), non-coding transcript variant (5).
Genome position (GRCh38, 1-based): chr9:97,697,284, C>T on the plus strand (G>A on the coding strand, the complement: XPA is on the minus strand). VCF-style: chr9-97697284-C-T. GRCh37 (hg19) VCF-style: chr9-100459566-C-T.
Other names: c.-1141G>A (NM_001354975.2).
Identifiers: ClinVar variation 1096067 (VCV001096067.16), dbSNP rs752858206, ClinGen allele CA5148946.
Genomic context (GRCh38, chr9:97,697,284, plus strand): 5'-CGAGGCAGGCAGCTCCGCGGGTTGCTCTAAAGCCGCCGCCTCCGGCAAAGCCCCGTCGGC[C>T]GCCGCCATCTCTGGCCCACTCCGAGGACCTAGCTCCCAGCTCCACGCACGCGCACTGCAC-3'
Protein context (NP_000371.1, residues 1-13): MA[Ala3=]ADGALPEAAA

ClinVar aggregate classification (germline): Likely benign. Review status: criteria provided, multiple submitters, no conflicts (2 of 4 stars). 2 submissions from 2 submitters: Likely benign (2). Last evaluated 2025-04-01.

Allele frequency attached by ClinVar (database versions not stated): gnomAD exomes 0.00002; ExAC 0.00004.
gnomAD v4.1: 10 of 1,598,478 alleles (0.00063%); highest among the groups gnomAD compares: Non-Finnish European, 0.00085%; no homozygotes.

Submissions (2):

CeGaT Center for Human Genetics Tuebingen
Classification: Likely benign. Last evaluated: 2025-04-01. Review status: criteria provided, single submitter. Criteria: CeGaT Center For Human Genetics Tuebingen Variant Classification Criteria Version 2. Collection method: clinical testing. Allele origin: germline. Affected: yes. Observed: 2 variant alleles.
Comment: XPA: BP4, BP7

Labcorp Genetics (formerly Invitae), Labcorp
Classification: Likely benign. Last evaluated: 2023-10-14. Review status: criteria provided, single submitter. Criteria: Invitae Variant Classification Sherloc (09022015). Collection method: clinical testing. Allele origin: germline.